The following is an entry in ClinVar:

ClinVar aggregate classification (germline): Conflicting classifications of pathogenicity. Review status: criteria provided, conflicting classifications (1 of 4 stars). 3 submissions from 3 submitters: Uncertain significance (2); Likely benign (1). Last evaluated 2025-08-10.

Allele frequency attached by ClinVar (database versions not stated): gnomAD exomes 0.00001 and 0.00004; gnomAD 0.00001; TOPMed 0.00001.
gnomAD v4.1: 53 of 1,613,886 alleles (0.0033%); highest among the groups gnomAD compares: Non-Finnish European, 0.0045%; no homozygotes.

Submissions (3):

Labcorp Genetics (formerly Invitae), Labcorp
Classification: Likely benign. Last evaluated: 2025-08-10. Review status: criteria provided, single submitter. Criteria: Invitae Variant Classification Sherloc (09022015). Collection method: clinical testing. Allele origin: germline.

GeneDx
Classification: Uncertain significance. Last evaluated: 2023-02-22. Review status: criteria provided, single submitter. Criteria: GeneDx Variant Classification Process June 2021. Collection method: clinical testing. Allele origin: germline. Affected: yes.
Comment: Not observed at significant frequency in large population cohorts (gnomAD); In silico analysis supports that this missense variant has a deleterious effect on protein structure/function; Occurs in the triple helical domain at the Y position in the canonical Gly-X-Y repeat; although this variant may have an effect on normal protein folding and function, missense substitution at the Y position is not a common mechanism of disease (HGMD); Has not been previously published as pathogenic or benign to our knowledge

Blueprint Genetics
Classification: Uncertain significance. Last evaluated: 2022-09-26. Review status: criteria provided, single submitter. Criteria: ACMG Guidelines, 2015. Collection method: clinical testing. Allele origin: germline.

NM_001844.5(COL2A1):c.3119C>T (p.Pro1040Leu)

Gene: COL2A1 (collagen type II alpha 1 chain; minus strand). Cytogenetic location: 12q13.11.
Variant type: single nucleotide variant.
Coding change: c.3119C>T on transcript NM_001844.5 (MANE Select); coding-DNA position 3119, C replaced by T.
Protein change: p.Pro1040Leu; replaces proline 1040 with leucine.
Molecular consequence: missense variant.
Genome position (GRCh38, 1-based): chr12:47,977,646, G>A on the plus strand (C>T on the coding strand, the complement: COL2A1 is on the minus strand). VCF-style: chr12-47977646-G-A. GRCh37 (hg19) VCF-style: chr12-48371429-G-A.
Other names: c.3119C>T (NM_001844.4); c.2912C>T, p.Pro971Leu (NM_033150.3); short protein forms P1040L, P971L.
Identifiers: ClinVar variation 1022633 (VCV001022633.10), dbSNP rs978657987, ClinGen allele CA236521259.